The following is an entry in ClinVar:

NM_015909.4(NBAS):c.2412G>T (p.Glu804Asp)

Gene: NBAS (NBAS subunit of NRZ tethering complex; minus strand). Cytogenetic location: 2p24.3.
Variant type: single nucleotide variant.
Coding change: c.2412G>T on transcript NM_015909.4 (MANE Select); coding-DNA position 2412, G replaced by T.
Protein change: p.Glu804Asp; replaces glutamic acid 804 with aspartic acid.
Molecular consequence: missense variant. On other transcripts: non-coding transcript variant (1).
Genome position (GRCh38, 1-based): chr2:15,427,722, C>A on the plus strand (G>T on the coding strand, the complement: NBAS is on the minus strand). VCF-style: chr2-15427722-C-A. GRCh37 (hg19) VCF-style: chr2-15567846-C-A.
Other names: short protein forms E804D.
Identifiers: ClinVar variation 1414395 (VCV001414395.3), dbSNP rs1363536901, ClinGen allele CA345891308.

ClinVar aggregate classification (germline): Uncertain significance (1 of 4 stars; one submission).

Allele frequency attached by ClinVar (database versions not stated): gnomAD 0.00001; TOPMed below 0.00001.
gnomAD v4.1: 1 of 1,612,318 alleles (0.000062%); highest among the groups gnomAD compares: Non-Finnish European, 0.000085%; no homozygotes.

Submission:

Labcorp Genetics (formerly Invitae), Labcorp
Classification: Uncertain significance. Last evaluated: 2021-08-31. Review status: criteria provided, single submitter. Criteria: Invitae Variant Classification Sherloc (09022015). Collection method: clinical testing. Allele origin: germline.
Comment: This sequence change replaces glutamic acid with aspartic acid at codon 804 of the NBAS protein (p.Glu804Asp). The glutamic acid residue is highly conserved and there is a small physicochemical difference between glutamic acid and aspartic acid. This variant is not present in population databases (ExAC no frequency). This variant has not been reported in the literature in individuals affected with NBAS-related conditions. Algorithms developed to predict the effect of missense changes on protein structure and function are either unavailable or do not agree on the potential impact of this missense change (SIFT: "Deleterious"; PolyPhen-2: "Benign"; Align-GVGD: "Class C35"). In summary, the available evidence is currently insufficient to determine the role of this variant in disease. Therefore, it has been classified as a Variant of Uncertain Significance.